The following is an entry in ClinVar:

ClinVar aggregate classification (germline): Uncertain significance (1 of 4 stars; one submission).

Conditions:
Long QT syndrome (LQTS). Identifiers: MedGen C0023976, MeSH D008133, MONDO:0002442. Disease mechanism: loss of function. Inheritance: Various modes of inheritance.

gnomAD v4.1: 1 of 1,614,124 alleles (0.000062%); highest among the groups gnomAD compares: African/African-American, 0.0013%; no homozygotes.

Submission:

Labcorp Genetics (formerly Invitae), Labcorp
Classification: Uncertain significance for Long QT syndrome. Last evaluated: 2024-12-04. Review status: criteria provided, single submitter. Criteria: Invitae Variant Classification Sherloc (09022015). Collection method: clinical testing. Allele origin: germline.
Comment: This sequence change replaces histidine, which is basic and polar, with glutamine, which is neutral and polar, at codon 908 of the ANK2 protein (p.His908Gln). This variant is present in population databases (rs576844483, gnomAD 0.007%). This variant has not been reported in the literature in individuals affected with ANK2-related conditions. Invitae Evidence Modeling of protein sequence and biophysical properties (such as structural, functional, and spatial information, amino acid conservation, physicochemical variation, residue mobility, and thermodynamic stability) has been performed for this missense variant. However, the output from this modeling did not meet the statistical confidence thresholds required to predict the impact of this variant on ANK2 protein function. In summary, the available evidence is currently insufficient to determine the role of this variant in disease. Therefore, it has been classified as a Variant of Uncertain Significance.

NM_001148.6(ANK2):c.2724C>A (p.His908Gln)

Gene: ANK2 (ankyrin 2; plus strand). Cytogenetic location: 4q26.
Variant type: single nucleotide variant.
Coding change: c.2724C>A on transcript NM_001148.6 (MANE Select); coding-DNA position 2724, C replaced by A.
Protein change: p.His908Gln; replaces histidine 908 with glutamine.
Molecular consequence: missense variant.
Genome position (GRCh38, 1-based): chr4:113,317,737, C>A. VCF-style: chr4-113317737-C-A. GRCh37 (hg19) VCF-style: chr4-114238893-C-A.
Other names: c.351C>A, p.His117Gln (NM_001354281.2, NM_001354282.2, NM_001354278.2 and 2 more transcripts); c.2622C>A, p.His874Gln (NM_001386142.1, NM_001354274.2, NM_001386154.1); c.2661C>A, p.His887Gln (NM_001386143.1, NM_001354275.2, NM_001354243.2 and 3 more transcripts); c.2769C>A, p.His923Gln (NM_001386144.1, NM_001354240.2, NM_001354241.2); c.2637C>A, p.His879Gln (NM_001354267.2, NM_001354276.2, NM_001386146.1 and 7 more transcripts); c.2625C>A, p.His875Gln (NM_001354268.2, NM_001354245.2); c.2511C>A, p.His837Gln (NM_001354269.3); c.2562C>A, p.His854Gln (NM_001354270.2, NM_001386156.1, NM_001354253.2 and 1 more transcripts); and 17 more; short protein forms H117Q, H780Q, H813Q, H837Q, H891Q, H903Q, H935Q, H874Q.
Identifiers: ClinVar variation 3714969 (VCV003714969.2).